The following is an entry in ClinVar:

ClinVar aggregate classification (germline): Benign. Review status: criteria provided, multiple submitters, no conflicts (2 of 4 stars). 2 submissions from 2 submitters: Benign (2). Last evaluated 2019-01-18.

Allele frequency attached by ClinVar (database versions not stated): 1000 Genomes Project 30x 0.31230; 1000 Genomes Project 0.31310; TOPMed 0.44251; gnomAD 0.47093 and 0.47490; gnomAD exomes 0.50052 and 0.61230; ExAC 0.50184; ESP Exome Variant Server 0.50608.
gnomAD v4.1: 962,604 of 1,610,694 alleles (60%); highest among the groups gnomAD compares: Non-Finnish European, 67%; 308,023 homozygotes.

Submissions (2):

GeneDx
Classification: Benign. Last evaluated: 2019-01-18. Review status: criteria provided, single submitter. Criteria: GeneDx Variant Classification Process June 2021. Collection method: clinical testing. Allele origin: germline. Affected: yes.
Comment: This variant is associated with the following publications: (PMID: 30315176)

Breakthrough Genomics
Classification: Benign. Review status: criteria provided, single submitter. Criteria: ACMG Guidelines, 2015. Collection method: not provided. Allele origin: germline. Inheritance: Unknown mechanism. Affected: yes.

NM_004212.4(SLC28A2):c.225C>A (p.Ser75Arg)

Genes: SLC28A2 (solute carrier family 28 member 2; plus strand), SLC28A2-AS1 (SLC28A2 antisense RNA 1; minus strand). Cytogenetic location: 15q21.1.
Variant type: single nucleotide variant.
Coding change: c.225C>A on transcript NM_004212.4 (MANE Select); coding-DNA position 225, C replaced by A.
Protein change: p.Ser75Arg; replaces serine 75 with arginine.
Molecular consequence: missense variant.
Genome position (GRCh38, 1-based): chr15:45,262,069, C>A. VCF-style: chr15-45262069-C-A. GRCh37 (hg19) VCF-style: chr15-45554267-C-A.
Other names: short protein forms S75R.
Identifiers: ClinVar variation 1267759 (VCV001267759.3), dbSNP rs1060896, ClinGen allele CA7542118.